The following is an entry in ClinVar:

NM_021620.4(PRDM13):c.1084C>T (p.His362Tyr)

Genes: PRDM13 (PR/SET domain 13; plus strand), LOC129996881 (ATAC-STARR-seq lymphoblastoid silent region 17422; plus strand). Cytogenetic location: 6q16.2.
Variant type: single nucleotide variant.
Coding change: c.1084C>T on transcript NM_021620.4 (MANE Select); coding-DNA position 1084, C replaced by T.
Protein change: p.His362Tyr; replaces histidine 362 with tyrosine.
Molecular consequence: missense variant.
Genome position (GRCh38, 1-based): chr6:99,613,719, C>T. VCF-style: chr6-99613719-C-T. GRCh37 (hg19) VCF-style: chr6-100061595-C-T.
Other names: short protein forms H362Y.
Identifiers: ClinVar variation 3612474 (VCV003612474.2).
Genomic context (GRCh38, chr6:99,613,719, plus strand): 5'-GGGGAGAACTCGGCGGCGGGCGGCGCGGGTCACCACCATCACCACCACGCGCACCACCAC[C>T]ACCATCCCAAGTGCCTGCTCGCTGGGGACCCGCCGCCGCCGCCGCCGCCTGGCCTGCCCT-3'
Protein context (NP_067633.2, residues 352-372): HHHHHHAHHH[His362Tyr]HPKCLLAGDP

ClinVar aggregate classification (germline): Uncertain significance (1 of 4 stars; one submission).

gnomAD v4.1: 11 of 1,492,292 alleles (0.00074%); highest among the groups gnomAD compares: Non-Finnish European, 0.00097%; no homozygotes.

Submission:

Labcorp Genetics (formerly Invitae), Labcorp
Classification: Uncertain significance. Last evaluated: 2024-05-20. Review status: criteria provided, single submitter. Criteria: Invitae Variant Classification Sherloc (09022015). Collection method: clinical testing. Allele origin: germline.
Comment: This sequence change replaces histidine, which is basic and polar, with tyrosine, which is neutral and polar, at codon 362 of the PRDM13 protein (p.His362Tyr). This variant is not present in population databases (gnomAD no frequency). This variant has not been reported in the literature in individuals affected with PRDM13-related conditions. An algorithm developed to predict the effect of missense changes on protein structure and function (PolyPhen-2) suggests that this variant is likely to be disruptive. In summary, the available evidence is currently insufficient to determine the role of this variant in disease. Therefore, it has been classified as a Variant of Uncertain Significance.